The following is an entry in ClinVar:

NM_016616.5(NME8):c.1141G>A (p.Gly381Ser)

Gene: NME8 (NME/NM23 family member 8; plus strand). Cytogenetic location: 7p14.1.
Variant type: single nucleotide variant.
Coding change: c.1141G>A on transcript NM_016616.5 (MANE Select); coding-DNA position 1141, G replaced by A.
Protein change: p.Gly381Ser; replaces glycine 381 with serine.
Molecular consequence: missense variant.
Genome position (GRCh38, 1-based): chr7:37,885,146, G>A. VCF-style: chr7-37885146-G-A. GRCh37 (hg19) VCF-style: chr7-37924748-G-A.
Other names: short protein forms G381S.
Identifiers: ClinVar variation 1896037 (VCV001896037.5), dbSNP rs200177768, ClinGen allele CA157131891.

ClinVar aggregate classification (germline): Uncertain significance (1 of 4 stars; one submission).

Conditions:
Primary ciliary dyskinesia 6. Also called: Primary Ciliary Dyskinesia 6: TXNDC3-Related Primary Ciliary Dyskinesia. Identifiers: Orphanet 244, MedGen C1970506, MONDO:0012571, OMIM 610852.

gnomAD v4.1: 4 of 1,600,554 alleles (0.00025%); highest among the groups gnomAD compares: African/African-American, 0.0054%; no homozygotes.

Submission:

Labcorp Genetics (formerly Invitae), Labcorp
Classification: Uncertain significance for Primary ciliary dyskinesia 6. Last evaluated: 2024-04-25. Review status: criteria provided, single submitter. Criteria: Invitae Variant Classification Sherloc (09022015). Collection method: clinical testing. Allele origin: germline.
Comment: This sequence change replaces glycine, which is neutral and non-polar, with serine, which is neutral and polar, at codon 381 of the NME8 protein (p.Gly381Ser). This variant is present in population databases (no rsID available, gnomAD 0.02%). This variant has not been reported in the literature in individuals affected with NME8-related conditions. ClinVar contains an entry for this variant (Variation ID: 1896037). Algorithms developed to predict the effect of missense changes on protein structure and function output the following: SIFT: "Not Available"; PolyPhen-2: "Possibly Damaging"; Align-GVGD: "Not Available". The serine amino acid residue is found in multiple mammalian species, which suggests that this missense change does not adversely affect protein function. Algorithms developed to predict the effect of sequence changes on RNA splicing suggest that this variant may create or strengthen a splice site. In summary, the available evidence is currently insufficient to determine the role of this variant in disease. Therefore, it has been classified as a Variant of Uncertain Significance.